The following is an entry in ClinVar:

ClinVar aggregate classification (germline): Conflicting classifications of pathogenicity. Review status: criteria provided, conflicting classifications (1 of 4 stars). 6 submissions from 6 submitters: Uncertain significance (4); Likely benign (1). 1 of the submissions does not count toward it. Last evaluated 2026-03-04.

Conditions:
Inborn genetic diseases. Identifiers: MedGen C0950123, MeSH D030342.
Spastic paraplegia. Identifiers: MedGen C0037772, HP:0001258.
Charlevoix-Saguenay spastic ataxia (SACS). Also called: SPASTIC ATAXIA 6, AUTOSOMAL RECESSIVE; AUTOSOMAL RECESSIVE SPASTIC ATAXIA OF CHARLEVOIX-SAGUENAY; Spastic ataxia of Charlevoix-Saguenay. Identifiers: Orphanet 98, MedGen C1849140, MONDO:0010041, OMIM 270550.

Allele frequency attached by ClinVar (database versions not stated): ExAC 0.00001; gnomAD 0.00006 and 0.00005; TOPMed 0.00006.
gnomAD v4.1: 137 of 1,613,726 alleles (0.0085%); highest among the groups gnomAD compares: Non-Finnish European, 0.011%; no homozygotes.

Submissions (6):

GeneDx
Classification: Uncertain significance. Last evaluated: 2026-03-04. Review status: criteria provided, single submitter. Criteria: GeneDx Variant Classification Process June 2021. Collection method: clinical testing. Allele origin: germline.
Comment: Not observed at significant frequency in large population cohorts (gnomAD); In silico analysis suggests that this missense variant does not alter protein structure/function; Has not been previously published as pathogenic or benign to our knowledge

Ambry Genetics
Classification: Uncertain significance for Inborn genetic diseases. Last evaluated: 2025-06-06. Review status: criteria provided, single submitter. Criteria: Ambry Variant Classification Scheme 2023. Collection method: clinical testing. Allele origin: germline.

Labcorp Genetics (formerly Invitae), Labcorp
Classification: Likely benign for Spastic paraplegia. Last evaluated: 2025-05-11. Review status: criteria provided, single submitter. Criteria: Invitae Variant Classification Sherloc (09022015). Collection method: clinical testing. Allele origin: germline.

Revvity Omics, Revvity
Classification: Uncertain significance for Charlevoix-Saguenay spastic ataxia. Last evaluated: 2022-10-13. Review status: criteria provided, single submitter. Criteria: ACMG Guidelines, 2015. Collection method: clinical testing. Allele origin: germline.

Athena Diagnostics
Classification: Uncertain significance. Last evaluated: 2022-01-11. Review status: criteria provided, single submitter. Criteria: Athena Diagnostics Criteria. Collection method: clinical testing. Allele origin: unknown.

Natera, Inc.
Classification: Uncertain significance for Charlevoix-Saguenay type spastic ataxia. Last evaluated: 2020-03-19. Review status: no assertion criteria provided. Collection method: clinical testing. Allele origin: germline. Not counted in ClinVar's aggregate classification.

NM_014363.6(SACS):c.12190C>A (p.Pro4064Thr)

Gene: SACS (sacsin molecular chaperone; minus strand). Cytogenetic location: 13q12.12.
Variant type: single nucleotide variant.
Coding change: c.12190C>A on transcript NM_014363.6 (MANE Select); coding-DNA position 12190, C replaced by A.
Protein change: p.Pro4064Thr; replaces proline 4064 with threonine.
Molecular consequence: missense variant.
Genome position (GRCh38, 1-based): chr13:23,331,686, G>T on the plus strand (C>A on the coding strand, the complement: SACS is on the minus strand). VCF-style: chr13-23331686-G-T. GRCh37 (hg19) VCF-style: chr13-23905825-G-T.
Other names: c.11749C>A, p.Pro3917Thr (NM_001278055.2); short protein forms P3917T, P4064T.
Identifiers: ClinVar variation 994931 (VCV000994931.13), dbSNP rs200707453, ClinGen allele CA6910170.
Genomic context (GRCh38, chr13:23,331,686, plus strand): 5'-TGACTGCATTACCAAATCGCTTCAAAAAAGCAAAAGTTTCACTTCTGCTGTGGGGAATAG[G>T]ATTAAAACCTTTAACTCTTAATGTTGTTTGAAGCTTTTCAAAGCAGGATACTTTCAATCC-3'
Protein context (NP_055178.3, residues 4054-4074): QTTLRVKGFN[Pro4064Thr]IPHSRSETFA